The following is an entry in ClinVar:

ClinVar aggregate classification (germline): Uncertain significance (1 of 4 stars; one submission).

Conditions:
TNF receptor-associated periodic fever syndrome (TRAPS) (FPF). Also called: FAMILIAL HIBERNIAN FEVER; TNF RECEPTOR-ASSOCIATED PERIODIC SYNDROME; TUMOR NECROSIS FACTOR RECEPTOR-ASSOCIATED PERIODIC SYNDROME; Autosomal Dominant Familial Periodic Fever; TNF Receptor-Associated Periodic Fever Syndrome; TNF receptor 1-associated periodic fever syndrome. Identifiers: Orphanet 32960, MedGen C1275126, MONDO:0007727, OMIM 142680.

Submission:

Labcorp Genetics (formerly Invitae), Labcorp
Classification: Uncertain significance for TNF receptor-associated periodic fever syndrome (TRAPS). Last evaluated: 2024-08-29. Review status: criteria provided, single submitter. Criteria: Invitae Variant Classification Sherloc (09022015). Collection method: clinical testing. Allele origin: germline.
Comment: This sequence change replaces arginine, which is basic and polar, with tryptophan, which is neutral and slightly polar, at codon 238 of the TNFRSF1A protein (p.Arg238Trp). This variant is not present in population databases (gnomAD no frequency). This variant has not been reported in the literature in individuals affected with TNFRSF1A-related conditions. Invitae Evidence Modeling of protein sequence and biophysical properties (such as structural, functional, and spatial information, amino acid conservation, physicochemical variation, residue mobility, and thermodynamic stability) has been performed for this missense variant. However, the output from this modeling did not meet the statistical confidence thresholds required to predict the impact of this variant on TNFRSF1A protein function. In summary, the available evidence is currently insufficient to determine the role of this variant in disease. Therefore, it has been classified as a Variant of Uncertain Significance.

NM_001065.4(TNFRSF1A):c.712C>T (p.Arg238Trp)

Gene: TNFRSF1A (TNF receptor superfamily member 1A; minus strand). Cytogenetic location: 12p13.31.
Variant type: single nucleotide variant.
Coding change: c.712C>T on transcript NM_001065.4 (MANE Select); coding-DNA position 712, C replaced by T.
Protein change: p.Arg238Trp; replaces arginine 238 with tryptophan.
Molecular consequence: missense variant. On other transcripts: non-coding transcript variant (1).
Genome position (GRCh38, 1-based): chr12:6,330,625, G>A on the plus strand (C>T on the coding strand, the complement: TNFRSF1A is on the minus strand). VCF-style: chr12-6330625-G-A. GRCh37 (hg19) VCF-style: chr12-6439791-G-A.
Other names: c.388C>T, p.Arg130Trp (NM_001346091.2); c.253C>T, p.Arg85Trp (NM_001346092.2); short protein forms R238W, R130W, R85W.
Identifiers: ClinVar variation 3676700 (VCV003676700.2).